The following is an entry in ClinVar:

NM_012330.4(KAT6B):c.2839A>G (p.Met947Val)

Gene: KAT6B (lysine acetyltransferase 6B; plus strand). Cytogenetic location: 10q22.2.
Variant type: single nucleotide variant.
Coding change: c.2839A>G on transcript NM_012330.4 (MANE Select); coding-DNA position 2839, A replaced by G.
Protein change: p.Met947Val; replaces methionine 947 with valine.
Molecular consequence: missense variant.
Genome position (GRCh38, 1-based): chr10:75,020,791, A>G. VCF-style: chr10-75020791-A-G. GRCh37 (hg19) VCF-style: chr10-76780549-A-G.
Other names: c.2290A>G, p.Met764Val (NM_001256468.2, NM_001370138.1); c.1963A>G, p.Met655Val (NM_001256469.2, NM_001370139.1, NM_001370140.1 and 2 more transcripts); c.1801A>G, p.Met601Val (NM_001370132.1); c.1150A>G, p.Met384Val (NM_001370133.1); c.754A>G, p.Met252Val (NM_001370134.1); c.496A>G, p.Met166Val (NM_001370135.1); c.2839A>G, p.Met947Val (NM_001370136.1, NM_001370137.1); c.1774A>G, p.Met592Val (NM_001370143.1, NM_001370144.1); short protein forms M166V, M592V, M252V, M384V, M764V, M947V, M655V, M601V.
Identifiers: ClinVar variation 931201 (VCV000931201.4), dbSNP rs1845340492, ClinGen allele CA377281298.
Genomic context (GRCh38, chr10:75,020,791, plus strand): 5'-ATTAGCAGAGCGACGGGCATGTGCCCACATGACATTGCCACCACTCTGCAGCACCTCCAC[A>G]TGATCGACAAGAGAGATGGCAGGTGAGTCCTGGGACCCTGGGCAGCTCCGTGGCTCAGGC-3'
Protein context (NP_036462.2, residues 937-957): DIATTLQHLH[Met947Val]IDKRDGRFVI

ClinVar aggregate classification (germline): Uncertain significance. Review status: criteria provided, multiple submitters, no conflicts (2 of 4 stars). 2 submissions from 2 submitters: Uncertain significance (2). Last evaluated 2024-06-20.

Conditions:
Blepharophimosis - intellectual disability syndrome, SBBYS type (SBBYSS). Also called: Say-Barber-Biesecker variant of Ohdo syndrome (SBBYSS); Say-Barber-Biesecker-Young-Simpson variant of Ohdo Syndrome; Say-Barber-Biesecker Variant of Ohdo Syndrome; Ohdo syndrome, SBBYS variant; SBBYSS syndrome; Say-Barber-Biesecker-Young-Simpson syndrome. Identifiers: Orphanet 3047, MedGen C1863557, MONDO:0011365, OMIM 603736.
Genitopatellar syndrome (GTPTS). Also called: Genitopatellar syndrome (GPS); ABSENT PATELLAE, SCROTAL HYPOPLASIA, RENAL ANOMALIES, FACIAL DYSMORPHISM, AND MENTAL RETARDATION. Identifiers: Orphanet 85201, MedGen C1853566, MONDO:0011640, OMIM 606170.

Allele frequency attached by ClinVar (database versions not stated): gnomAD exomes below 0.00001; TOPMed below 0.00001.
gnomAD v4.1: 2 of 1,614,096 alleles (0.00012%); highest among the groups gnomAD compares: Non-Finnish European, 0.00017%; no homozygotes.

Submissions (2):

Fulgent Genetics
Classification: Uncertain significance for Blepharophimosis - intellectual disability syndrome, SBBYS type; Genitopatellar syndrome. Last evaluated: 2024-06-20. Review status: criteria provided, single submitter. Criteria: ACMG Guidelines, 2015. Collection method: clinical testing. Allele origin: germline.

Centre for Mendelian Genomics, University Medical Centre Ljubljana
Classification: Uncertain significance for Blepharophimosis - intellectual disability syndrome, SBBYS type. Last evaluated: 2019-09-26. Review status: criteria provided, single submitter. Criteria: ACMG Guidelines, 2015. Collection method: clinical testing. Allele origin: unknown. Affected: yes.
Comment: This variant was classified as: Uncertain significance. The available evidence on this variant's pathogenicity is insufficient or conflicting. The following ACMG criteria were applied in classifying this variant: PM2,PP3,BP1.